The following is an entry in ClinVar:

ClinVar aggregate classification (germline): Uncertain significance (1 of 4 stars; one submission).

Conditions:
WDPCP-related disorder. Also called: WDPCP-related condition.

Allele frequency attached by ClinVar (database versions not stated): gnomAD 0.00007; 1000 Genomes Project 30x 0.00016; 1000 Genomes Project 0.00020; TOPMed 0.00005.

Submission:

PreventionGenetics, part of Exact Sciences
Classification: Uncertain significance for WDPCP-related condition. Last evaluated: 2026-03-11. Review status: criteria provided, single submitter. Criteria: ACMG Guidelines, 2015. Collection method: clinical testing. Allele origin: germline.
Comment: The WDPCP c.1795G>A variant is predicted to result in the amino acid substitution p.Ala599Thr. To our knowledge, this variant has not been reported in the literature. This variant is reported in 0.023% of alleles in individuals of African descent in gnomAD. At this time, the clinical significance of this variant is uncertain due to the absence of conclusive functional and genetic evidence.

NM_015910.7(WDPCP):c.1748+18356G>A

Gene: WDPCP (WD repeat containing planar cell polarity effector; minus strand). Cytogenetic location: 2p15.
Variant type: single nucleotide variant.
Coding change: c.1748+18356G>A on transcript NM_015910.7 (MANE Select); 18356 bases into the intron after coding-DNA position 1748, G replaced by A.
Molecular consequence: intron variant. On other transcripts: missense variant (1).
Genome position (GRCh38, 1-based): chr2:63,360,030, C>T on the plus strand (G>A on the coding strand, the complement: WDPCP is on the minus strand). VCF-style: chr2-63360030-C-T. GRCh37 (hg19) VCF-style: chr2-63587165-C-T.
Other names: c.1795G>A, p.Ala599Thr (NM_001354045.2); c.1676+18356G>A (NM_001354044.2); c.1271+18356G>A (NM_001042692.3); short protein forms A599T.
Identifiers: ClinVar variation 3034493 (VCV003034493.3), dbSNP rs564903925, ClinGen allele CA49229132.